The following is an entry in ClinVar:

ClinVar aggregate classification (germline): Pathogenic/Likely pathogenic. Review status: criteria provided, multiple submitters, no conflicts (2 of 4 stars). 8 submissions from 8 submitters: Pathogenic (6); Likely pathogenic (1). 1 of the submissions does not count toward it. Last evaluated 2025-09-10.

Conditions:
GLUD1-related disorders.
Hyperinsulinism-hyperammonemia syndrome (HHF6). Identifiers: Orphanet 35878, MedGen C1847555, MONDO:0011717, OMIM 606762.

Allele frequency attached by ClinVar (database versions not stated): gnomAD exomes below 0.00001.
gnomAD v4.1: 1 of 1,613,762 alleles (0.000062%); no homozygotes.

Submissions (8):

Genomic Medicine Center of Excellence, King Faisal Specialist Hospital and Research Centre
Classification: Pathogenic for Hyperinsulinism-hyperammonemia syndrome. Last evaluated: 2025-09-10. Review status: criteria provided, single submitter. Criteria: ACMG Guidelines, 2015. Collection method: clinical testing. Allele origin: germline.

Labcorp Genetics (formerly Invitae), Labcorp
Classification: Pathogenic for Hyperinsulinism-hyperammonemia syndrome. Last evaluated: 2024-08-04. Review status: criteria provided, single submitter. Criteria: Invitae Variant Classification Sherloc (09022015). Collection method: clinical testing. Allele origin: germline.
Comment: This sequence change replaces arginine, which is basic and polar, with histidine, which is basic and polar, at codon 322 of the GLUD1 protein (p.Arg322His). This variant is not present in population databases (gnomAD no frequency). This missense change has been observed in individual(s) with hyperinsulinism hyperammonemia syndrome (PMID: 11214910, 27188453, 30306091). In at least one individual the variant was observed to be de novo. It has also been observed to segregate with disease in related individuals. This variant is also known as R269H. ClinVar contains an entry for this variant (Variation ID: 16129). Advanced modeling of protein sequence and biophysical properties (such as structural, functional, and spatial information, amino acid conservation, physicochemical variation, residue mobility, and thermodynamic stability) performed at Invitae indicates that this missense variant is not expected to disrupt GLUD1 protein function with a negative predictive value of 80%. For these reasons, this variant has been classified as Pathogenic.

3billion
Classification: Pathogenic for Hyperinsulinism-hyperammonemia syndrome. Last evaluated: 2023-09-07. Review status: criteria provided, single submitter. Criteria: ACMG Guidelines, 2015. Collection method: clinical testing. Allele origin: germline. Affected: yes.
Comment: The variant is not observed in the gnomAD v2.1.1 dataset. Predicted Consequence/Location: Missense changes are a common disease-causing mechanism. In silico tool predictions suggest damaging effect of the variant on gene or gene product [REVEL: 0.75 (>=0.6, sensitivity 0.68 and specificity 0.92)]. Same nucleotide change resulting in same amino acid change has been previously reported as pathogenic/likely pathogenic with strong evidence (ClinVar ID: VCV000016129 /PMID: 11214910). The variant has been observed in multiple (>3) similarly affected unrelated individuals (PMID: 11214910, 27188453, 30306091). The variant has been previously reported as assumed (i.e. paternity and maternity not confirmed) de novo in at least two similarly affected unrelated individuals (PMID: 30306091). Therefore, this variant is classified as Pathogenic according to the recommendation of ACMG/AMP guideline.

Foundation for Research in Genetics and Endocrinology, FRIGE's Institute of Human Genetics
Classification: Likely pathogenic for Hyperinsulinism-hyperammonemia syndrome. Last evaluated: 2023-06-23. Review status: criteria provided, single submitter. Criteria: ACMG Guidelines, 2015. Collection method: clinical testing. Allele origin: germline. Inheritance: Autosomal dominant inheritance. Affected: yes. Observed: 1 heterozygote.
Comment: A heterozygous variation in exon 7 of the GLUD1 gene that results in the amino acid substitution of Histidine for arginine at codon 322 was detected. The observed variant c.965G>A (p.Arg322His) has not been reported in the 1000 genomes databases. The in silico prediction of the variant are possibly damaging by LRT. The reference codon is conserved across species. In summary, the variant meets our criteria to be classified as likely pathogenic.

Blueprint Genetics
Classification: Pathogenic for GLUD1-related disorders. Last evaluated: 2023-06-12. Review status: criteria provided, single submitter. Criteria: ACMG Guidelines, 2015. Collection method: clinical testing. Allele origin: germline. Affected: yes. Observed: 1 variant allele.

CeGaT Center for Human Genetics Tuebingen
Classification: Pathogenic. Last evaluated: 2020-01-01. Review status: criteria provided, single submitter. Criteria: CeGaT Center For Human Genetics Tuebingen Variant Classification Criteria Version 2. Collection method: clinical testing. Allele origin: germline. Affected: yes. Observed: 1 variant allele.

Genetic Services Laboratory, University of Chicago
Classification: Pathogenic for Hyperinsulinism-hyperammonemia syndrome. Last evaluated: 2017-03-27. Review status: criteria provided, single submitter. Criteria: ACMG Guidelines, 2015. Collection method: clinical testing. Allele origin: germline. Affected: yes.

OMIM
Classification: Pathogenic for HYPERINSULINEMIC HYPOGLYCEMIA, FAMILIAL, 6. Last evaluated: 2001-01-01. Review status: no assertion criteria provided. Collection method: literature only. Allele origin: germline. Not counted in ClinVar's aggregate classification.

Literature cited by the submitters: PubMed 11214910 (cited by 3 submitters); PubMed 27188453 (cited by Labcorp Genetics (formerly Invitae), Labcorp and 3billion); PubMed 30306091 (cited by Labcorp Genetics (formerly Invitae), Labcorp and 3billion).

NM_005271.5(GLUD1):c.965G>A (p.Arg322His)

Gene: GLUD1 (glutamate dehydrogenase 1; minus strand). Cytogenetic location: 10q23.2.
Variant type: single nucleotide variant.
Coding change: c.965G>A on transcript NM_005271.5 (MANE Select); coding-DNA position 965, G replaced by A.
Protein change: p.Arg322His; replaces arginine 322 with histidine.
Molecular consequence: missense variant.
Genome position (GRCh38, 1-based): chr10:87,061,009, C>T on the plus strand (G>A on the coding strand, the complement: GLUD1 is on the minus strand). VCF-style: chr10-87061009-C-T. GRCh37 (hg19) VCF-style: chr10-88820766-C-T.
Other names: R269H; c.566G>A, p.Arg189His (NM_001318900.1); c.464G>A, p.Arg155His (NM_001318901.1, NM_001318902.1, NM_001318904.2 and 2 more transcripts); short protein forms R322H, R155H, R189H.
Identifiers: ClinVar variation 16129 (VCV000016129.58), dbSNP rs121909737, ClinGen allele CA257431.
Genomic context (GRCh38, chr10:87,061,009, plus strand): 5'-CCATCTGGATTCCATATACTCCCATCAGACTCACCAACAGCAATACATTTAGCACCAAAA[C>T]GATGTAAATATCTCATAGAGTGTAGGCCCACATTACCAAATCCCTGTGAAGAACAATTAC-3'
Protein context (NP_005262.1, residues 312-332): VGLHSMRYLH[Arg322His]FGAKCIAVGE